The following is an entry in ClinVar:

ClinVar aggregate classification (germline): Pathogenic (1 of 4 stars; one submission).

Conditions:
Neuromuscular disease caused by qualitative or quantitative defects of dysferlin. Also called: Qualitative or quantitative defects of dysferlin; Dysferlinopathy. Identifiers: Orphanet 207073, MedGen C2931687, MONDO:0016145.

Submission:

Labcorp Genetics (formerly Invitae), Labcorp
Classification: Pathogenic for Neuromuscular disease caused by qualitative or quantitative defects of dysferlin. Last evaluated: 2022-07-29. Review status: criteria provided, single submitter. Criteria: Invitae Variant Classification Sherloc (09022015). Collection method: clinical testing. Allele origin: germline.
Comment: For these reasons, this variant has been classified as Pathogenic. This sequence change creates a premature translational stop signal (p.Gln1265*) in the DYSF gene. It is expected to result in an absent or disrupted protein product. Loss-of-function variants in DYSF are known to be pathogenic (PMID: 17698709, 20301480). This variant is not present in population databases (gnomAD no frequency). This variant has not been reported in the literature in individuals affected with DYSF-related conditions.

Literature cited by the submitters: PubMed 17698709; PubMed 20301480.

NM_001130987.2(DYSF):c.3847C>T (p.Gln1283Ter)

Gene: DYSF (dysferlin; plus strand). Cytogenetic location: 2p13.2.
Variant type: single nucleotide variant.
Coding change: c.3847C>T on transcript NM_001130987.2 (MANE Select); coding-DNA position 3847, C replaced by T.
Protein change: p.Gln1283Ter; replaces glutamine 1283 with a stop codon.
Molecular consequence: nonsense.
Genome position (GRCh38, 1-based): chr2:71,600,792, C>T. VCF-style: chr2-71600792-C-T. GRCh37 (hg19) VCF-style: chr2-71827922-C-T.
Other names: c.3754C>T, p.Gln1252Ter (NM_001130986.2, NM_001130984.2); c.3793C>T, p.Gln1265Ter (NM_003494.4, NM_001130978.2); c.3796C>T, p.Gln1266Ter (NM_001130455.2, NM_001130983.2); c.3751C>T, p.Gln1251Ter (NM_001130976.2, NM_001130977.2); c.3886C>T, p.Gln1296Ter (NM_001130979.2); c.3844C>T, p.Gln1282Ter (NM_001130980.2, NM_001130981.2); c.3889C>T, p.Gln1297Ter (NM_001130982.2); c.3847C>T, p.Gln1283Ter (NM_001130985.2); short protein forms Q1251*, Q1252*, Q1283*, Q1297*, Q1282*, Q1265*, Q1266*, Q1296*.
Identifiers: ClinVar variation 2113143 (VCV002113143.4), dbSNP rs2546061717, ClinGen allele CA347225446.